The following is an entry in ClinVar:

ClinVar aggregate classification (germline): Likely pathogenic (1 of 4 stars; one submission).

Conditions:
COL1A1-related disorder. Also called: COL1A1-related condition; COL1A1- related disease.

Submission:

3billion
Classification: Likely pathogenic for COL1A1-related disorder. Last evaluated: 2025-09-25. Review status: criteria provided, single submitter. Criteria: ACMG Guidelines, 2015. Collection method: clinical testing. Allele origin: germline. Affected: yes.
Comment: The variant is not observed in the gnomAD v4.1.0 dataset. Predicted Consequence/Location: Missense variant In silico tool predictions suggest damaging effect of the variant on gene or gene product [REVEL: 0.99 (>=0.6, sensitivity 0.68 and specificity 0.92); 3Cnet: 0.91 (> 0.75, sensitivity 0.96 and precision 0.92)]. The same nucleotide change resulting in the same amino acid change has been previously reported to be associated with COL1A1-related disorder (PMID: 17078022). Different missense changes at the same codon (p.Gly311Arg, p.Gly311Val) have been reported as pathogenic/likely pathogenic with strong evidence (ClinVar ID: VCV001410496, VCV003776259 /PMID: 11317364, 27519266 /3billion dataset). Therefore, this variant is classified as Likely pathogenic according to the recommendation of ACMG/AMP guideline.

Literature cited by the submitters: PubMed 11317364; PubMed 17078022.

NM_000088.4(COL1A1):c.932G>A (p.Gly311Asp)

Gene: COL1A1 (collagen type I alpha 1 chain; minus strand). Cytogenetic location: 17q21.33.
Variant type: single nucleotide variant.
Coding change: c.932G>A on transcript NM_000088.4 (MANE Select); coding-DNA position 932, G replaced by A.
Protein change: p.Gly311Asp; replaces glycine 311 with aspartic acid.
Molecular consequence: missense variant.
Genome position (GRCh38, 1-based): chr17:50,196,339, C>T on the plus strand (G>A on the coding strand, the complement: COL1A1 is on the minus strand). VCF-style: chr17-50196339-C-T. GRCh37 (hg19) VCF-style: chr17-48273700-C-T.
Other names: short protein forms G311D.
Identifiers: ClinVar variation 4856009 (VCV004856009.1).
Genomic context (GRCh38, chr17:50,196,339, plus strand): 5'-GCTCAGGGATCCCCCAAGGGGCCAGGAGTACTTACAGCAGGGCCAGGGGCTCCAGGGCGA[C>T]CTCTCTCACCAGGCAGGCCACGGGGGCCCTGACAACCAAACCAAGAGAAGTCAGATGAGA-3'
Protein context (NP_000079.2, residues 301-321): MGPRGLPGER[Gly311Asp]RPGAPGPAGA